The following is an entry in ClinVar:

ClinVar aggregate classification (germline): Likely benign. Review status: criteria provided, multiple submitters, no conflicts (2 of 4 stars). 3 submissions from 3 submitters: Likely benign (3). Last evaluated 2025-12-01.

Conditions:
Malignant hyperthermia, susceptibility to, 5 (MHS5). Also called: CACNA1S-Related Malignant Hyperthermia Susceptibility. Identifiers: Orphanet 423, MedGen C1866077, MONDO:0011163, OMIM 601887.
Hypokalemic periodic paralysis, type 1. Also called: Hypokalemic Periodic Paralysis Type 1 (AD); HypoPP. Identifiers: Orphanet 681, MedGen C3714580, MONDO:0042979, OMIM 170400.

Allele frequency attached by ClinVar (database versions not stated): gnomAD 0.00001; TOPMed 0.00001; ExAC 0.00002; gnomAD exomes 0.00002; ESP Exome Variant Server 0.00015.
gnomAD v4.1: 30 of 1,614,076 alleles (0.0019%); highest among the groups gnomAD compares: African/African-American, 0.0027%; no homozygotes.

Submissions (3):

Labcorp Genetics (formerly Invitae), Labcorp
Classification: Likely benign for Hypokalemic periodic paralysis, type 1; Malignant hyperthermia, susceptibility to, 5. Last evaluated: 2025-12-01. Review status: criteria provided, single submitter. Criteria: Invitae Variant Classification Sherloc (09022015). Collection method: clinical testing. Allele origin: germline.

All of Us Research Program, National Institutes of Health
Classification: Likely benign for Malignant hyperthermia, susceptibility to, 5. Last evaluated: 2024-01-11. Review status: criteria provided, single submitter. Criteria: ACMG Guidelines, 2015. Collection method: clinical testing. Allele origin: germline. Inheritance: Autosomal dominant inheritance. Observed: 5 variant alleles, 5 heterozygotes.
Comment: This study involves interpretation of variants in research participants for the purpose of population health screening. Participant phenotype was not available at the time of variant classification. Additional details can be found in publication PMID: 35346344, PMCID: PMC8962531

Color Diagnostics, LLC DBA Color Health
Classification: Likely benign for Malignant hyperthermia, susceptibility to, 5. Last evaluated: 2022-11-06. Review status: criteria provided, single submitter. Criteria: ACMG Guidelines, 2015. Collection method: clinical testing. Allele origin: germline.

NM_000069.3(CACNA1S):c.1677C>T (p.Ile559=)

Gene: CACNA1S (calcium voltage-gated channel subunit alpha1 S; minus strand). Cytogenetic location: 1q32.1.
Variant type: single nucleotide variant.
Coding change: c.1677C>T on transcript NM_000069.3 (MANE Select); coding-DNA position 1677, C replaced by T.
Protein change: p.Ile559=; no amino-acid change (isoleucine 559 retained).
Molecular consequence: synonymous variant.
Genome position (GRCh38, 1-based): chr1:201,077,070, G>A on the plus strand (C>T on the coding strand, the complement: CACNA1S is on the minus strand). VCF-style: chr1-201077070-G-A. GRCh37 (hg19) VCF-style: chr1-201046198-G-A.
Identifiers: ClinVar variation 751164 (VCV000751164.11), dbSNP rs372013296, ClinGen allele CA078515.